The following is an entry in ClinVar:

NM_003072.5(SMARCA4):c.222+14T>C

Gene: SMARCA4 (SWI/SNF related BAF chromatin remodeling complex subunit ATPase 4; plus strand). Cytogenetic location: 19p13.2.
Variant type: single nucleotide variant.
Coding change: c.222+14T>C on transcript NM_003072.5 (MANE Select); 14 bases into the intron after coding-DNA position 222, T replaced by C.
Molecular consequence: intron variant.
Genome position (GRCh38, 1-based): chr19:10,984,387, T>C. VCF-style: chr19-10984387-T-C. GRCh37 (hg19) VCF-style: chr19-11095063-T-C.
Other names: c.222+14T>C (NM_001128844.3, NM_001128849.3, NM_001128847.4 and 5 more transcripts).
Identifiers: ClinVar variation 328019 (VCV000328019.27), dbSNP rs112825147, ClinGen allele CA9203416.

ClinVar aggregate classification (germline): Benign/Likely benign. Review status: criteria provided, multiple submitters, no conflicts (2 of 4 stars). 9 submissions from 9 submitters: Benign (5); Likely benign (4). Last evaluated 2026-02-04.

Conditions:
Intellectual disability, autosomal dominant 16 (CSS4). Also called: COFFIN-SIRIS SYNDROME 4. Identifiers: Orphanet 1465, MedGen C3553249, MONDO:0013821, OMIM 614609.
Rhabdoid tumor predisposition syndrome 2 (RTPS2). Identifiers: Orphanet 231108, Orphanet 69077, MedGen C2750074, MONDO:0013224, OMIM 613325.
Coffin-Siris syndrome. Identifiers: Orphanet 1465, MedGen C0265338, MONDO:0015452.
Hereditary cancer-predisposing syndrome. Also called: Neoplastic Syndromes, Hereditary; Tumor predisposition; Hereditary neoplastic syndrome; Hereditary Cancer Syndrome. Identifiers: Orphanet 140162, MedGen C0027672, MeSH D009386, MONDO:0015356.

Allele frequency attached by ClinVar (database versions not stated): gnomAD exomes 0.00103 and 0.00251; 1000 Genomes Project 30x 0.00453; 1000 Genomes Project 0.00519; ESP Exome Variant Server 0.00535; gnomAD 0.00538 and 0.00548; TOPMed 0.00588; ExAC 0.00597.
gnomAD v4.1: 2,384 of 1,565,702 alleles (0.15%); highest among the groups gnomAD compares: African/African-American, 1.7%; 38 homozygotes.

Submissions (9):

Labcorp Genetics (formerly Invitae), Labcorp
Classification: Benign for Rhabdoid tumor predisposition syndrome 2. Last evaluated: 2026-02-04. Review status: criteria provided, single submitter. Criteria: Invitae Variant Classification Sherloc (09022015). Collection method: clinical testing. Allele origin: germline.

Genomic Medicine Center of Excellence, King Faisal Specialist Hospital and Research Centre
Classification: Likely benign. Last evaluated: 2025-08-18. Review status: criteria provided, single submitter. Criteria: ACMG Guidelines, 2015. Collection method: clinical testing. Allele origin: germline.

ARUP Laboratories, Molecular Genetics and Genomics, ARUP Laboratories
Classification: Benign. Last evaluated: 2025-05-01. Review status: criteria provided, single submitter. Criteria: ARUP Molecular Germline Variant Investigation Process 2024. Collection method: clinical testing. Allele origin: germline.

Genome-Nilou Lab
Classification: Benign for Intellectual disability, autosomal dominant 16. Last evaluated: 2021-07-15. Review status: criteria provided, single submitter. Criteria: ACMG Guidelines, 2015. Collection method: clinical testing. Allele origin: germline. Affected: no.

Illumina Laboratory Services, Illumina
Classification: Benign for Coffin-Siris syndrome. Last evaluated: 2018-01-12. Review status: criteria provided, single submitter. Criteria: ICSL Variant Classification Criteria 13 December 2019. Collection method: clinical testing. Allele origin: germline.
Comment: This variant was observed in the ICSL laboratory as part of a predisposition screen in an ostensibly healthy population. It had not been previously curated by ICSL or reported in the Human Gene Mutation Database (HGMD: prior to June 1st, 2018), and was therefore a candidate for classification through an automated scoring system. Utilizing variant allele frequency, disease prevalence and penetrance estimates, and inheritance mode, an automated score was calculated to assess if this variant is too frequent to cause the disease. Based on the score and internal cut-off values, a variant classified as benign is not then subjected to further curation. The score for this variant resulted in a classification of benign for this disease.

GeneDx
Classification: Likely benign. Last evaluated: 2017-10-20. Review status: criteria provided, single submitter. Criteria: GeneDx Variant Classification (06012015). Collection method: clinical testing. Allele origin: germline. Affected: yes.
Comment: This variant is considered likely benign or benign based on one or more of the following criteria: it is a conservative change, it occurs at a poorly conserved position in the protein, it is predicted to be benign by multiple in silico algorithms, and/or has population frequency not consistent with disease.

Center for Pediatric Genomic Medicine, Children's Mercy Hospital and Clinics
Classification: Likely benign. Last evaluated: 2017-04-27. Review status: criteria provided, single submitter. Criteria: ACMG Guidelines, 2015. Collection method: clinical testing. Allele origin: germline.

Ambry Genetics
Classification: Benign for Hereditary cancer-predisposing syndrome. Last evaluated: 2015-05-20. Review status: criteria provided, single submitter. Criteria: Ambry Variant Classification Scheme 2023. Collection method: clinical testing. Allele origin: germline.

Breakthrough Genomics
Classification: Likely benign. Review status: criteria provided, single submitter. Criteria: ACMG Guidelines, 2015. Collection method: not provided. Allele origin: germline. Inheritance: Autosomal dominant inheritance. Affected: yes.